The following is an entry in ClinVar:

ClinVar aggregate classification (germline): Conflicting classifications of pathogenicity. Review status: criteria provided, conflicting classifications (1 of 4 stars). 12 submissions from 11 submitters: Uncertain significance (3); Benign (2); Likely benign (6). 1 of the submissions does not count toward it. Last evaluated 2026-08-01.

Conditions:
CDH23-related disorder. Also called: CDH23-related disorders; CDH23-related condition.
Usher syndrome. Also called: Usher Syndromes; Usher's syndrome. Identifiers: Orphanet 886, MedGen CN469326, MeSH D052245, MONDO:0019501. Disease mechanism: loss of function.
Usher syndrome type 1 (USH1). Also called: RETINITIS PIGMENTOSA AND CONGENITAL DEAFNESS. Identifiers: Orphanet 231169, Orphanet 886, MedGen C1568247, MONDO:0010168, OMIM 276900.
Autosomal recessive nonsyndromic hearing loss 12. Also called: DEAFNESS, AUTOSOMAL RECESSIVE 12. Identifiers: Orphanet 90636, MedGen C1832394, MONDO:0011067, OMIM 601386.
Usher syndrome type 1D (USH1D). Also called: USHER SYNDROME, TYPE ID. Identifiers: Orphanet 231169, Orphanet 886, MedGen C1832845, MONDO:0010984, OMIM 601067.

Allele frequency attached by ClinVar (database versions not stated): ESP Exome Variant Server 0.00016; 1000 Genomes Project 0.00020; 1000 Genomes Project 30x 0.00016; TOPMed 0.00042; gnomAD 0.00029 and 0.00040.
gnomAD v4.1: 925 of 1,613,550 alleles (0.057%); highest among the groups gnomAD compares: Middle Eastern, 0.74%; 6 homozygotes.

Submissions (12):

CeGaT Center for Human Genetics Tuebingen
Classification: Benign. Last evaluated: 2026-08-01. Review status: criteria provided, single submitter. Criteria: CeGaT Center For Human Genetics Tuebingen Variant Classification Criteria Version 2. Collection method: clinical testing. Allele origin: germline. Affected: yes. Observed: 2 variant alleles.
Comment: CDH23: BS1, BS2

Labcorp Genetics (formerly Invitae), Labcorp
Classification: Likely benign. Last evaluated: 2026-02-02. Review status: criteria provided, single submitter. Criteria: Invitae Variant Classification Sherloc (09022015). Collection method: clinical testing. Allele origin: germline.

PreventionGenetics, part of Exact Sciences
Classification: Likely benign for CDH23-related condition. Last evaluated: 2024-12-02. Review status: criteria provided, single submitter. Criteria: ACMG Guidelines, 2015. Collection method: clinical testing. Allele origin: germline.
Comment: This variant is classified as likely benign based on ACMG/AMP sequence variant interpretation guidelines (Richards et al. 2015 PMID: 25741868, with internal and published modifications).

Blueprint Genetics
Classification: Likely benign. Last evaluated: 2024-10-22. Review status: criteria provided, single submitter. Criteria: ACMG Guidelines, 2015. Collection method: clinical testing. Allele origin: germline.

SN ONGC Dept of Genetics and Molecular biology Vision Research Foundation
Classification: Uncertain significance for Usher syndrome. Last evaluated: 2022-12-31. Review status: criteria provided, single submitter. Criteria: ACMG Guidelines, 2015. Collection method: research. Allele origin: biparental. Affected: yes. Observed: 1 variant allele, 1 heterozygote.

Genome-Nilou Lab
Classification: Likely benign for Usher syndrome type 1D. Last evaluated: 2021-05-18. Review status: criteria provided, single submitter. Criteria: ACMG Guidelines, 2015. Collection method: clinical testing. Allele origin: germline. Affected: no.

GeneDx
Classification: Benign. Last evaluated: 2019-10-02. Review status: criteria provided, single submitter. Criteria: GeneDx Variant Classification Process June 2021. Collection method: clinical testing. Allele origin: germline. Affected: yes.

Illumina Laboratory Services, Illumina
Classification: Uncertain significance for Autosomal recessive nonsyndromic hearing loss 12. Last evaluated: 2018-01-12. Review status: criteria provided, single submitter. Criteria: ICSL Variant Classification Criteria 13 December 2019. Collection method: clinical testing. Allele origin: germline.

Illumina Laboratory Services, Illumina
Classification: Uncertain significance for Usher syndrome type 1D. Last evaluated: 2018-01-12. Review status: criteria provided, single submitter. Criteria: ICSL Variant Classification Criteria 13 December 2019. Collection method: clinical testing. Allele origin: germline.

Eurofins Ntd Llc (ga)
Classification: Likely benign. Last evaluated: 2017-07-27. Review status: criteria provided, single submitter. Criteria: EGL Classification Definitions 2015. Collection method: clinical testing. Allele origin: germline. Observed: 1 variant allele, 1 heterozygote.

Laboratory for Molecular Medicine, Mass General Brigham Personalized Medicine
Classification: Likely benign. Last evaluated: 2015-06-16. Review status: criteria provided, single submitter. Criteria: LMM Criteria. Collection method: clinical testing. Allele origin: germline. Observed: 5 variant alleles.
Comment: p.Ala605Val in exon 17 of CDH23: This variant is not expected to have clinical s ignificance because it has been identified in 0.4% (53/13978) of South Asian chr omosomes by the Exome Aggregation Consortium (ExAC, rg; dbSNP rs201475055). In addition the alanine (Ala) at position 605 is not co nserved across species with chinchilla and panda have this variant (Val) at this position despite high nearby amino acid conservation.

Natera, Inc.
Classification: Benign for Usher syndrome type 1. Last evaluated: 2020-04-15. Review status: no assertion criteria provided. Collection method: clinical testing. Allele origin: germline. Not counted in ClinVar's aggregate classification.

NM_022124.6(CDH23):c.1814C>T (p.Ala605Val)

Gene: CDH23 (cadherin related 23; plus strand). Cytogenetic location: 10q22.1.
Variant type: single nucleotide variant.
Coding change: c.1814C>T on transcript NM_022124.6 (MANE Select); coding-DNA position 1814, C replaced by T.
Protein change: p.Ala605Val; replaces alanine 605 with valine.
Molecular consequence: missense variant.
Genome position (GRCh38, 1-based): chr10:71,679,448, C>T. VCF-style: chr10-71679448-C-T. GRCh37 (hg19) VCF-style: chr10-73439205-C-T.
Other names: c.1814C>T, p.Ala605Val (NM_001171930.2, NM_001171931.2); short protein forms A605V.
Identifiers: ClinVar variation 45883 (VCV000045883.91), dbSNP rs201475055, ClinGen allele CA137303.
Genomic context (GRCh38, chr10:71,679,448, plus strand): 5'-CAACAGATGAAGACTCCCCTCCCAACAACCAGATCACCTACAGCATTGTCAGTGCATCTG[C>T]CTTTGGCAGCTACTTCGACATCAGCCTGTACGAGGGCTATGGAGGTAGGTGTGGGGCAGA-3'
Protein context (NP_071407.4, residues 595-615): QITYSIVSAS[Ala605Val]FGSYFDISLY